The following is an entry in ClinVar:

NM_000548.5(TSC2):c.141A>T (p.Glu47Asp)

Gene: TSC2 (TSC complex subunit 2; plus strand). Cytogenetic location: 16p13.3.
Variant type: single nucleotide variant.
Coding change: c.141A>T on transcript NM_000548.5 (MANE Select); coding-DNA position 141, A replaced by T.
Protein change: p.Glu47Asp; replaces glutamic acid 47 with aspartic acid.
Molecular consequence: missense variant. On other transcripts: 5 prime UTR variant (2).
Genome position (GRCh38, 1-based): chr16:2,050,402, A>T. VCF-style: chr16-2050402-A-T. GRCh37 (hg19) VCF-style: chr16-2100403-A-T.
Other names: c.141A>T, p.Glu47Asp (NM_001077183.3, NM_001114382.3, NM_001318827.2 and 4 more transcripts); c.-7A>T (NM_001318829.2); c.-86A>T (NM_001318831.2); c.174A>T, p.Glu58Asp (NM_001318832.2); short protein forms E47D, E58D.
Identifiers: ClinVar variation 49157 (VCV000049157.5), dbSNP rs137854133, ClinGen allele CA014776.
Genomic context (GRCh38, chr16:2,050,402, plus strand): 5'-AGTTAAGGAGACCGTGGCCTGAGCACTGGCCCCTTTTTCTTCTTTCATCTCTCTCCAGGA[A>T]CTGAGCATGGAATGTGGCCTCAACAATCGCATCCGGATGATAGGGCAGATTTGTGAAGTC-3'
Protein context (NP_000539.2, residues 37-57): EFIITAEILR[Glu47Asp]LSMECGLNNR

ClinVar aggregate classification (germline): Uncertain significance. Review status: criteria provided, single submitter (1 of 4 stars). 2 submissions from 2 submitters: Uncertain significance (1). 1 of the submissions does not count toward it. Last evaluated 2023-05-18.

Conditions:
Tuberous sclerosis syndrome (TSC). Also called: Tuberous Sclerosis Complex; Tuberous sclerosis. Identifiers: Orphanet 805, MedGen C0041341, MONDO:0001734.
Tuberous sclerosis 2 (TSC2). Identifiers: Orphanet 805, MedGen C1860707, MONDO:0013199, OMIM 613254.

gnomAD v4.1: 1 of 1,613,878 alleles (0.000062%); no homozygotes.

Submissions (2):

Labcorp Genetics (formerly Invitae), Labcorp
Classification: Uncertain significance for Tuberous sclerosis 2. Last evaluated: 2023-05-18. Review status: criteria provided, single submitter. Criteria: Invitae Variant Classification Sherloc (09022015). Collection method: clinical testing. Allele origin: germline.
Comment: In summary, the available evidence is currently insufficient to determine the role of this variant in disease. Therefore, it has been classified as a Variant of Uncertain Significance. An algorithm developed to predict the effect of missense changes on protein structure and function (PolyPhen-2) suggests that this variant is likely to be tolerated. ClinVar contains an entry for this variant (Variation ID: 49157). This variant has not been reported in the literature in individuals affected with TSC2-related conditions. This variant is not present in population databases (gnomAD no frequency). This sequence change replaces glutamic acid, which is acidic and polar, with aspartic acid, which is acidic and polar, at codon 47 of the TSC2 protein (p.Glu47Asp).

Tuberous sclerosis database (TSC2)
No classification provided. Condition: TSC. Review status: no classification provided. Criteria: Tuberous Sclerosis Database Assertion Criteria 2015. Collection method: curation. Allele origin: germline. Affected: yes. Not counted in ClinVar's aggregate classification.